The following is an entry in ClinVar:

ClinVar aggregate classification (germline): Uncertain significance (1 of 4 stars; one submission).

Submission:

GeneDx
Classification: Uncertain significance. Last evaluated: 2024-09-18. Review status: criteria provided, single submitter. Criteria: GeneDx Variant Classification Process June 2021. Collection method: clinical testing. Allele origin: germline. Affected: yes.
Comment: Not observed at significant frequency in large population cohorts (gnomAD); In silico analysis supports that this missense variant has a deleterious effect on protein structure/function; Has not been previously published as pathogenic or benign to our knowledge

NM_001197104.2(KMT2A):c.4513T>C (p.Tyr1505His)

Gene: KMT2A (lysine methyltransferase 2A; plus strand). Cytogenetic location: 11q23.3.
Variant type: single nucleotide variant.
Coding change: c.4513T>C on transcript NM_001197104.2 (MANE Select); coding-DNA position 4513, T replaced by C.
Protein change: p.Tyr1505His; replaces tyrosine 1505 with histidine.
Molecular consequence: missense variant.
Genome position (GRCh38, 1-based): chr11:118,489,825, T>C. VCF-style: chr11-118489825-T-C. GRCh37 (hg19) VCF-style: chr11-118360540-T-C.
Other names: c.4612T>C, p.Tyr1538His (NM_001412597.1); c.4513T>C, p.Tyr1505His (NM_005933.4); short protein forms Y1505H, Y1538H.
Identifiers: ClinVar variation 3773967 (VCV003773967.1).